The following is an entry in ClinVar:

NM_139058.3(ARX):c.486_489dup (p.Ala164fs)

Gene: ARX (aristaless related homeobox; minus strand). Cytogenetic location: Xp21.3.
Variant type: Duplication.
Coding change: c.486_489dup on transcript NM_139058.3 (MANE Select); coding-DNA positions 486 to 489, 4 bases duplicated (CCAG; older notation c.486_489dupCCAG).
Protein change: p.Ala164fs; shifts the reading frame from alanine 164.
Molecular consequence: frameshift variant.
Genome position (GRCh38, 1-based): chrX:25,013,506-25,013,509, CTGG duplicated on the plus strand (CCAG on the coding strand, the reverse complement: ARX is on the minus strand); duplicating any 4 consecutive bases within chrX:25,013,506-25,013,512 gives the same sequence; the c. name uses the placement nearest the transcript's 3' end. VCF-style (leftmost placement, unchanged base first): chrX-25013505-C-CCTGG. GRCh37 (hg19) VCF-style: chrX-25031622-C-CCTGG.
Other names: short protein forms A164fs.
Identifiers: ClinVar variation 4085602 (VCV004085602.8).
Genomic context (GRCh38, chrX:25,013,505, plus strand): 5'-GCACGAAGGGCGCCCCGTTCTCGCGGTACGACTTGCTGCGGCTGATGCTCACCTGCGGCG[C>CCTGG]CTGGCTGATCTTGAGCGTGTCCCAGGCCGCGGCGGCCGCGGCCGCGGCTGCCGCGGCGGC-3'

ClinVar aggregate classification (germline): Pathogenic (1 of 4 stars; one submission).

Submission:

CeGaT Center for Human Genetics Tuebingen
Classification: Pathogenic. Last evaluated: 2025-08-01. Review status: criteria provided, single submitter. Criteria: CeGaT Center For Human Genetics Tuebingen Variant Classification Criteria Version 2. Collection method: clinical testing. Allele origin: germline. Affected: yes. Observed: 1 variant allele.
Comment: ARX: PVS1, PM2